The following is an entry in ClinVar:

ClinVar aggregate classification (germline): Uncertain significance (1 of 4 stars; one submission).

Submission:

Labcorp Genetics (formerly Invitae), Labcorp
Classification: Uncertain significance. Last evaluated: 2022-04-28. Review status: criteria provided, single submitter. Criteria: Invitae Variant Classification Sherloc (09022015). Collection method: clinical testing. Allele origin: germline.
Comment: In summary, the available evidence is currently insufficient to determine the role of this variant in disease. Therefore, it has been classified as a Variant of Uncertain Significance. Algorithms developed to predict the effect of missense changes on protein structure and function are either unavailable or do not agree on the potential impact of this missense change (SIFT: "Deleterious"; PolyPhen-2: "Possibly Damaging"; Align-GVGD: "Class C0"). This variant has not been reported in the literature in individuals affected with RAB28-related conditions. This variant is not present in population databases (gnomAD no frequency). This sequence change replaces serine, which is neutral and polar, with leucine, which is neutral and non-polar, at codon 2 of the RAB28 protein (p.Ser2Leu).

NM_001017979.3(RAB28):c.5C>T (p.Ser2Leu)

Genes: RAB28 (RAB28, member RAS oncogene family; minus strand), LOC111828517 (Sharpr-MPRA regulatory regions 1971 and 3941; plus strand). Cytogenetic location: 4p15.33.
Variant type: single nucleotide variant.
Coding change: c.5C>T on transcript NM_001017979.3 (MANE Select); coding-DNA position 5, C replaced by T.
Protein change: p.Ser2Leu; replaces serine 2 with leucine.
Molecular consequence: missense variant.
Genome position (GRCh38, 1-based): chr4:13,484,146, G>A on the plus strand (C>T on the coding strand, the complement: RAB28 is on the minus strand). VCF-style: chr4-13484146-G-A. GRCh37 (hg19) VCF-style: chr4-13485770-G-A.
Other names: c.5C>T, p.Ser2Leu (NM_001159601.2, NM_004249.4); short protein forms S2L.
Identifiers: ClinVar variation 2129844 (VCV002129844.4), dbSNP rs763948475, ClinGen allele CA2860249.